The following is an entry in ClinVar:

NM_001312909.2(FAM111A):c.1519G>A (p.Glu507Lys)

Gene: FAM111A (FAM111 trypsin like peptidase A; plus strand). Cytogenetic location: 11q12.1.
Variant type: single nucleotide variant.
Coding change: c.1519G>A on transcript NM_001312909.2 (MANE Select); coding-DNA position 1519, G replaced by A.
Protein change: p.Glu507Lys; replaces glutamic acid 507 with lysine.
Molecular consequence: missense variant.
Genome position (GRCh38, 1-based): chr11:59,153,187, G>A. VCF-style: chr11-59153187-G-A. GRCh37 (hg19) VCF-style: chr11-58920660-G-A.
Other names: c.1519G>A, p.Glu507Lys (NM_001374853.1, NM_001374854.1, NM_001374855.1 and 29 more transcripts); short protein forms E507K.
Identifiers: ClinVar variation 4882637 (VCV004882637.2).

ClinVar aggregate classification (germline): Uncertain significance (1 of 4 stars; one submission).

Submission:

Dasa
Classification: Uncertain significance. Last evaluated: 2025-10-06. Review status: criteria provided, single submitter. Criteria: DASA Assertion Criteria. Collection method: clinical testing. Allele origin: germline.
Comment: NM_001312909.2(FAM111A):c.1519G>A (p.Glu507Lys) is a missense variant that results in the substitution of glutamic acid with lysine. This variant is absent from population databases. The currently available literature and clinical evidence are not sufficient to establish a definitive association between this variant and the reported condition. Therefore, this variant is classified as a variant of uncertain significance.